The following is an entry in ClinVar:

ClinVar aggregate classification (germline): Uncertain significance (1 of 4 stars; one submission).

Conditions:
Dyskeratosis congenita, autosomal dominant 6 (DKCA6). Identifiers: Orphanet 3322, MedGen C4225284, MONDO:0014690, OMIM 616553.

Submission:

Labcorp Genetics (formerly Invitae), Labcorp
Classification: Uncertain significance for Dyskeratosis congenita, autosomal dominant 6. Last evaluated: 2024-03-16. Review status: criteria provided, single submitter. Criteria: Invitae Variant Classification Sherloc (09022015). Collection method: clinical testing. Allele origin: germline.
Comment: This sequence change creates a premature translational stop signal (p.Glu201*) in the ACD gene. It is expected to result in an absent or disrupted protein product. However, the current clinical and genetic evidence is not sufficient to establish whether loss-of-function variants in ACD cause disease. This variant is not present in population databases (gnomAD no frequency). This variant has not been reported in the literature in individuals affected with ACD-related conditions. Algorithms developed to predict the effect of sequence changes on RNA splicing suggest that this variant may disrupt the consensus splice site. In summary, the available evidence is currently insufficient to determine the role of this variant in disease. Therefore, it has been classified as a Variant of Uncertain Significance.

NM_001082486.2(ACD):c.343G>T (p.Glu115Ter)

Gene: ACD (ACD shelterin complex subunit and telomerase recruitment factor; minus strand). Cytogenetic location: 16q22.1.
Variant type: single nucleotide variant.
Coding change: c.343G>T on transcript NM_001082486.2 (MANE Select); coding-DNA position 343, G replaced by T.
Protein change: p.Glu115Ter; replaces glutamic acid 115 with a stop codon.
Molecular consequence: nonsense.
Genome position (GRCh38, 1-based): chr16:67,659,607, C>A on the plus strand (G>T on the coding strand, the complement: ACD is on the minus strand). VCF-style: chr16-67659607-C-A. GRCh37 (hg19) VCF-style: chr16-67693510-C-A.
Other names: c.343G>T, p.Glu115Ter (NM_001410884.1); c.334G>T, p.Glu112Ter (NM_022914.3); short protein forms E112*, E115*.
Identifiers: ClinVar variation 3619579 (VCV003619579.2).